The following is an entry in ClinVar:

ClinVar aggregate classification (germline): Uncertain significance. Review status: criteria provided, multiple submitters, no conflicts (2 of 4 stars). 2 submissions from 2 submitters: Uncertain significance (2). Last evaluated 2021-04-09.

Conditions:
Inborn genetic diseases. Identifiers: MedGen C0950123, MeSH D030342.

gnomAD v4.1: 4 of 1,613,096 alleles (0.00025%); highest among the groups gnomAD compares: Non-Finnish European, 0.00034%; no homozygotes.

Submissions (2):

GeneDx
Classification: Uncertain significance. Last evaluated: 2021-04-09. Review status: criteria provided, single submitter. Criteria: GeneDx Variant Classification Process June 2021. Collection method: clinical testing. Allele origin: germline. Affected: yes.
Comment: Not observed in large population cohorts (Lek et al., 2016); In silico analysis supports that this missense variant has a deleterious effect on protein structure/function; Has not been previously published as pathogenic or benign to our knowledge

Ambry Genetics
Classification: Uncertain significance for Inborn genetic diseases. Last evaluated: 2020-03-18. Review status: criteria provided, single submitter. Criteria: Ambry Variant Classification Scheme 2023. Collection method: clinical testing. Allele origin: germline.
Comment: The p.E4616D variant (also known as c.13848G>T), located in coding exon 76 of the DST gene, results from a G to T substitution at nucleotide position 13848. The glutamic acid at codon 4616 is replaced by aspartic acid, an amino acid with highly similar properties. This amino acid position is highly conserved in available vertebrate species. In addition, this alteration is predicted to be tolerated by in silico analysis. Since supporting evidence is limited at this time, the clinical significance of this alteration remains unclear.

NM_001374736.1(DST):c.20205G>T (p.Glu6735Asp)

Gene: DST (dystonin; minus strand). Cytogenetic location: 6p12.1.
Variant type: single nucleotide variant.
Coding change: c.20205G>T on transcript NM_001374736.1 (MANE Select); coding-DNA position 20205, G replaced by T.
Protein change: p.Glu6735Asp; replaces glutamic acid 6735 with aspartic acid.
Molecular consequence: missense variant.
Genome position (GRCh38, 1-based): chr6:56,497,397, C>A on the plus strand (G>T on the coding strand, the complement: DST is on the minus strand). VCF-style: chr6-56497397-C-A. GRCh37 (hg19) VCF-style: chr6-56362195-C-A.
Other names: c.13848G>T, p.Glu4616Asp (NM_001144769.5); c.13434G>T, p.Glu4478Asp (NM_001144770.2); c.20205G>T, p.Glu6735Asp (NM_001374722.1); c.19245G>T, p.Glu6415Asp (NM_001374729.1); c.12987G>T, p.Glu4329Asp (NM_001374730.1); c.20232G>T, p.Glu6744Asp (NM_001374734.1); c.13314G>T, p.Glu4438Asp (NM_001386100.1, NM_183380.4); c.12336G>T, p.Glu4112Asp (NM_015548.5); short protein forms E4112D, E4329D, E4438D, E4478D, E4616D, E6415D, E6735D, E6744D.
Identifiers: ClinVar variation 1314314 (VCV001314314.4), dbSNP rs1324486479, ClinGen allele CA364518157.